The following is an entry in ClinVar:

NM_001267550.2(TTN):c.107517T>G (p.Ser35839Arg)

Genes: TTN (titin; minus strand), TTN-AS1 (TTN antisense RNA 1; plus strand). Cytogenetic location: 2q31.2.
Variant type: single nucleotide variant.
Coding change: c.107517T>G on transcript NM_001267550.2 (MANE Select); coding-DNA position 107517, T replaced by G.
Protein change: p.Ser35839Arg; replaces serine 35839 with arginine.
Molecular consequence: missense variant.
Genome position (GRCh38, 1-based): chr2:178,527,609, A>C on the plus strand (T>G on the coding strand, the complement: TTN is on the minus strand). VCF-style: chr2-178527609-A-C. GRCh37 (hg19) VCF-style: chr2-179392336-A-C.
Other names: p.S34198R:AGT>AGG; p.Ser33271Arg; c.102594T>G, p.Ser34198Arg (NM_001256850.1); c.80322T>G, p.Ser26774Arg (NM_003319.4); c.99813T>G, p.Ser33271Arg (NM_133378.4); c.80697T>G, p.Ser26899Arg (NM_133432.3); c.80898T>G, p.Ser26966Arg (NM_133437.4); short protein forms S34198R, S35839R, S33271R, S26774R, S26899R, S26966R.
Identifiers: ClinVar variation 203117 (VCV000203117.16), dbSNP rs776981475, ClinGen allele CA311295.
Genomic context (GRCh38, chr2:178,527,609, plus strand): 5'-CATGGAGGACATGCTTTGGGCAGACATGCTTGCAAATTTCATCTCAGTCATGCTGCTAGC[A>C]CTGCTGCTGCTGAAACTGCTGAAGGAGGCCTCCTGCTTGGAGGCAGACATTTGGACTGAC-3'
Protein context (NP_001254479.2, residues 35829-35849): EASFSSFSSS[Ser35839Arg]ASSMTEMKFA

ClinVar aggregate classification (germline): Conflicting classifications of pathogenicity. Review status: criteria provided, conflicting classifications (1 of 4 stars). 6 submissions from 6 submitters: Uncertain significance (5); Likely benign (1). Last evaluated 2023-02-09.

Conditions:
Cardiovascular phenotype. Identifiers: MedGen CN230736.
Autosomal recessive limb-girdle muscular dystrophy type 2J (LGMDR10). Also called: Limb-girdle muscular dystrophy, type 2J; MUSCULAR DYSTROPHY, LIMB-GIRDLE, AUTOSOMAL RECESSIVE 10. Identifiers: Orphanet 140922, MedGen C1837342, MONDO:0012127, OMIM 608807.
Dilated cardiomyopathy 1G (CMD1G). Identifiers: Orphanet 154, MedGen C1858763, MONDO:0011400, OMIM 604145.

Allele frequency attached by ClinVar (database versions not stated): ExAC 0.00002; gnomAD 0.00002; TOPMed 0.00003.
gnomAD v4.1: 35 of 1,613,886 alleles (0.0022%); highest among the groups gnomAD compares: Non-Finnish European, 0.0028%; no homozygotes.

Submissions (6):

Mayo Clinic Laboratories, Mayo Clinic
Classification: Uncertain significance. Last evaluated: 2023-02-09. Review status: criteria provided, single submitter. Criteria: ACMG Guidelines, 2015. Collection method: clinical testing. Allele origin: germline. Observed: 1 variant allele.
Comment: BP4

Blueprint Genetics
Classification: Uncertain significance. Last evaluated: 2021-07-08. Review status: criteria provided, single submitter. Criteria: ACMG Guidelines, 2015. Collection method: clinical testing. Allele origin: germline.

GeneDx
Classification: Likely benign. Last evaluated: 2019-05-23. Review status: criteria provided, single submitter. Criteria: GeneDx Variant Classification Process June 2021. Collection method: clinical testing. Allele origin: germline. Affected: yes.
Comment: This variant is associated with the following publications: (PMID: 32403337)

Ambry Genetics
Classification: Uncertain significance for Cardiovascular phenotype. Last evaluated: 2019-02-12. Review status: criteria provided, single submitter. Criteria: Ambry Variant Classification Scheme 2023. Collection method: clinical testing. Allele origin: germline.
Comment: The p.S26774R variant (also known as c.80322T>G), located in coding exon 189 of the TTN gene, results from a T to G substitution at nucleotide position 80322. The serine at codon 26774 is replaced by arginine, an amino acid with dissimilar properties. This variant (reported as p.S33271R, c.99813T>G) has been detected in an individual reported to have long QT syndrome without known structural heart disease; however, clinical details were limited (Mademont-Soler I et al. PLoS ONE, 2017 Aug;12:e0181465). This amino acid position is highly conserved in available vertebrate species. In addition, this alteration is predicted to be tolerated by in silico analysis. Since supporting evidence is limited at this time, the clinical significance of this alteration remains unclear.

Eurofins Ntd Llc (ga)
Classification: Uncertain significance. Last evaluated: 2018-08-15. Review status: criteria provided, single submitter. Criteria: EGL ClinVar v180209 classification definitions. Collection method: clinical testing. Allele origin: germline. Observed: 1 variant allele, 1 heterozygote.

Labcorp Genetics (formerly Invitae), Labcorp
Classification: Uncertain significance for Dilated cardiomyopathy 1G; Autosomal recessive limb-girdle muscular dystrophy type 2J. Last evaluated: 2017-04-17. Review status: criteria provided, single submitter. Criteria: Invitae Variant Classification Sherloc (09022015). Collection method: clinical testing. Allele origin: germline.

Literature cited by the submitters: PubMed 32403337 (cited by Mayo Clinic Laboratories, Mayo Clinic); PubMed 28771489 (cited by Ambry Genetics).